The following is an entry in ClinVar:

ClinVar aggregate classification (germline): Uncertain significance (1 of 4 stars; one submission).

Submission:

Women's Health and Genetics/Laboratory Corporation of America, LabCorp
Classification: Uncertain significance. Last evaluated: 2024-02-05. Review status: criteria provided, single submitter. Criteria: LabCorp Variant Classification Summary - May 2015. Collection method: clinical testing. Allele origin: germline.
Comment: Variant summary: SLC6A5 c.2300G>A (p.Gly767Glu) results in a non-conservative amino acid change in the encoded protein sequence. Three of five in-silico tools predict a damaging effect of the variant on protein function. The variant was absent in 251492 control chromosomes. The available data on variant occurrences in the general population are insufficient to allow any conclusion about variant significance. To our knowledge, no occurrence of c.2300G>A in individuals affected with Hyperekplexia 3 and no experimental evidence demonstrating its impact on protein function have been reported. No submitters have cited clinical-significance assessments for this variant to ClinVar. Based on the evidence outlined above, the variant was classified as uncertain significance.

NM_004211.5(SLC6A5):c.2300G>A (p.Gly767Glu)

Gene: SLC6A5 (solute carrier family 6 member 5; plus strand). Cytogenetic location: 11p15.1.
Variant type: single nucleotide variant.
Coding change: c.2300G>A on transcript NM_004211.5 (MANE Select); coding-DNA position 2300, G replaced by A.
Protein change: p.Gly767Glu; replaces glycine 767 with glutamic acid.
Molecular consequence: missense variant.
Genome position (GRCh38, 1-based): chr11:20,654,774, G>A. VCF-style: chr11-20654774-G-A. GRCh37 (hg19) VCF-style: chr11-20676320-G-A.
Other names: c.1598G>A, p.Gly533Glu (NM_001318369.2); short protein forms G533E, G767E.
Identifiers: ClinVar variation 3069024 (VCV003069024.2), dbSNP rs777388587, ClinGen allele CA379916665.